The following is an entry in ClinVar:

NM_001365480.1(CCDC88A):c.2042G>C (p.Ser681Thr)

Gene: CCDC88A (coiled-coil and HOOK domain protein 88A; minus strand). Cytogenetic location: 2p16.1.
Variant type: single nucleotide variant.
Coding change: c.2042G>C on transcript NM_001365480.1 (MANE Select); coding-DNA position 2042, G replaced by C.
Protein change: p.Ser681Thr; replaces serine 681 with threonine.
Molecular consequence: missense variant.
Genome position (GRCh38, 1-based): chr2:55,334,779, C>G on the plus strand (G>C on the coding strand, the complement: CCDC88A is on the minus strand). VCF-style: chr2-55334779-C-G. GRCh37 (hg19) VCF-style: chr2-55561915-C-G.
Other names: c.2042G>C, p.Ser681Thr (NM_001135597.2, NM_001254943.2, NM_018084.5); short protein forms S681T.
Identifiers: ClinVar variation 2109182 (VCV002109182.4), dbSNP rs1250846810, ClinGen allele CA346901072.
Genomic context (GRCh38, chr2:55,334,779, plus strand): 5'-TCATCAAGTTGGGAATTCTCTTTTTCTAGGGATTCTAACTGAAAGGTCAGATTTTTAAAG[C>G]TATCCAATGTTTTTTTTAATTTTCTATTTTCTCTTTCTAGCTCTGAATTTTCTTGTTCTA-3'
Protein context (NP_001352409.1, residues 671-691): ENRKLKKTLD[Ser681Thr]FKNLTFQLES

ClinVar aggregate classification (germline): Uncertain significance (1 of 4 stars; one submission).

Allele frequency attached by ClinVar (database versions not stated): TOPMed below 0.00001.

Submission:

Labcorp Genetics (formerly Invitae), Labcorp
Classification: Uncertain significance. Last evaluated: 2022-03-11. Review status: criteria provided, single submitter. Criteria: Invitae Variant Classification Sherloc (09022015). Collection method: clinical testing. Allele origin: germline.
Comment: In summary, the available evidence is currently insufficient to determine the role of this variant in disease. Therefore, it has been classified as a Variant of Uncertain Significance. Algorithms developed to predict the effect of missense changes on protein structure and function (SIFT, PolyPhen-2, Align-GVGD) all suggest that this variant is likely to be tolerated. This variant has not been reported in the literature in individuals affected with CCDC88A-related conditions. This variant is not present in population databases (gnomAD no frequency). This sequence change replaces serine, which is neutral and polar, with threonine, which is neutral and polar, at codon 681 of the CCDC88A protein (p.Ser681Thr).